The following is an entry in ClinVar:

NM_001370259.2(MEN1):c.512G>C (p.Arg171Pro)

Gene: MEN1 (menin 1; minus strand). Cytogenetic location: 11q13.1.
Variant type: single nucleotide variant.
Coding change: c.512G>C on transcript NM_001370259.2 (MANE Select); coding-DNA position 512, G replaced by C.
Protein change: p.Arg171Pro; replaces arginine 171 with proline.
Molecular consequence: missense variant.
Genome position (GRCh38, 1-based): chr11:64,808,033, C>G on the plus strand (G>C on the coding strand, the complement: MEN1 is on the minus strand). VCF-style: chr11-64808033-C-G. GRCh37 (hg19) VCF-style: chr11-64575505-C-G.
Other names: c.527G>C, p.Arg176Pro (NM_000244.4, NM_130800.3, NM_130801.3 and 3 more transcripts); c.512G>C, p.Arg171Pro (NM_001370251.2, NM_001370260.2, NM_001370261.2 and 3 more transcripts); short protein forms R171P, R176P.
Identifiers: ClinVar variation 825468 (VCV000825468.16), dbSNP rs607969, ClinGen allele CA381186023.

ClinVar aggregate classification (germline): Uncertain significance. Review status: criteria provided, multiple submitters, no conflicts (2 of 4 stars). 3 submissions from 3 submitters: Uncertain significance (3). Last evaluated 2026-02-27.

Conditions:
Hereditary cancer-predisposing syndrome. Also called: Hereditary Cancer Syndrome; Tumor predisposition; Neoplastic Syndromes, Hereditary; Hereditary neoplastic syndrome. Identifiers: Orphanet 140162, MedGen C0027672, MeSH D009386, MONDO:0015356.
Multiple endocrine neoplasia, type 1 (MEN1). Also called: Endocrine adenomatosis multiple; MEN 1; MEN I; WERMER SYNDROME; MEA I. Identifiers: Orphanet 652, MedGen C0025267, MeSH D018761, MONDO:0007540, OMIM 131100.

gnomAD v4.1: 1 of 1,614,082 alleles (0.000062%); highest among the groups gnomAD compares: Non-Finnish European, 0.000085%; no homozygotes.

Submissions (3):

Ambry Genetics
Classification: Uncertain significance for Hereditary cancer-predisposing syndrome. Last evaluated: 2026-02-27. Review status: criteria provided, single submitter. Criteria: Ambry Variant Classification Scheme 2023. Collection method: clinical testing. Allele origin: germline.

Labcorp Genetics (formerly Invitae), Labcorp
Classification: Uncertain significance for Multiple endocrine neoplasia, type 1. Last evaluated: 2025-06-16. Review status: criteria provided, single submitter. Criteria: Invitae Variant Classification Sherloc (09022015). Collection method: clinical testing. Allele origin: germline.
Comment: This sequence change replaces arginine, which is basic and polar, with proline, which is neutral and non-polar, at codon 171 of the MEN1 protein (p.Arg171Pro). This variant is not present in population databases (gnomAD no frequency). This variant has not been reported in the literature in individuals affected with MEN1-related conditions. ClinVar contains an entry for this variant (Variation ID: 825468). Invitae Evidence Modeling of protein sequence and biophysical properties (such as structural, functional, and spatial information, amino acid conservation, physicochemical variation, residue mobility, and thermodynamic stability) indicates that this missense variant is not expected to disrupt MEN1 protein function with a negative predictive value of 95%. In summary, the available evidence is currently insufficient to determine the role of this variant in disease. Therefore, it has been classified as a Variant of Uncertain Significance.

Women's Health and Genetics/Laboratory Corporation of America, LabCorp
Classification: Uncertain significance. Last evaluated: 2024-03-29. Review status: criteria provided, single submitter. Criteria: LabCorp Variant Classification Summary - May 2015. Collection method: clinical testing. Allele origin: germline.
Comment: Variant summary: MEN1 c.512G>C (p.Arg171Pro) results in a non-conservative amino acid change in the encoded protein sequence. Four of five in-silico tools predict a damaging effect of the variant on protein function. The variant was absent in 250912 control chromosomes. The available data on variant occurrences in the general population are insufficient to allow any conclusion about variant significance. To our knowledge, no occurrence of c.512G>C in individuals affected with Multiple Endocrine Neoplasia Type 1 and no experimental evidence demonstrating its impact on protein function have been reported. ClinVar contains an entry for this variant (Variation ID: 825468). Based on the evidence outlined above, the variant was classified as uncertain significance.